The following is an entry in ClinVar:

NM_139319.3(SLC17A8):c.124G>A (p.Glu42Lys)

Gene: SLC17A8 (solute carrier family 17 member 8; plus strand). Cytogenetic location: 12q23.1.
Variant type: single nucleotide variant.
Coding change: c.124G>A on transcript NM_139319.3 (MANE Select); coding-DNA position 124, G replaced by A.
Protein change: p.Glu42Lys; replaces glutamic acid 42 with lysine.
Molecular consequence: missense variant.
Genome position (GRCh38, 1-based): chr12:100,380,723, G>A. VCF-style: chr12-100380723-G-A. GRCh37 (hg19) VCF-style: chr12-100774501-G-A.
Other names: c.124G>A, p.Glu42Lys (NM_001145288.2); short protein forms E42K.
Identifiers: ClinVar variation 883902 (VCV000883902.5), dbSNP rs567965694, ClinGen allele CA6738670.

ClinVar aggregate classification (germline): Conflicting classifications of pathogenicity. Review status: criteria provided, conflicting classifications (1 of 4 stars). 2 submissions from 2 submitters: Uncertain significance (1); Likely benign (1). Last evaluated 2026-09-01.

Conditions:
Autosomal dominant nonsyndromic hearing loss 25. Identifiers: Orphanet 90635, MedGen C1854158, MONDO:0011568, OMIM 605583.

Allele frequency attached by ClinVar (database versions not stated): gnomAD below 0.00001 and 0.00003; TOPMed below 0.00001; gnomAD exomes 0.00002 and 0.00005; ExAC 0.00007; 1000 Genomes Project 0.00060; 1000 Genomes Project 30x 0.00062.
gnomAD v4.1: 39 of 1,613,920 alleles (0.0024%); highest among the groups gnomAD compares: South Asian, 0.041%; 1 homozygote.

Submissions (2):

CeGaT Center for Human Genetics Tuebingen
Classification: Likely benign. Last evaluated: 2026-09-01. Review status: criteria provided, single submitter. Criteria: CeGaT Center For Human Genetics Tuebingen Variant Classification Criteria Version 2. Collection method: clinical testing. Allele origin: germline. Affected: yes. Observed: 1 variant allele.
Comment: SLC17A8: BP4

Illumina Laboratory Services, Illumina
Classification: Uncertain significance for Autosomal dominant nonsyndromic hearing loss 25. Last evaluated: 2017-04-27. Review status: criteria provided, single submitter. Criteria: ICSL Variant Classification Criteria 13 December 2019. Collection method: clinical testing. Allele origin: germline.